The following is an entry in ClinVar:

NM_001382391.1(CSPP1):c.2981G>A (p.Arg994Gln)

Genes: ARFGEF1 (ARF guanine nucleotide exchange factor 1; minus strand), CSPP1 (centrosome and spindle pole associated protein 1; plus strand). Cytogenetic location: 8q13.2.
Variant type: single nucleotide variant.
Coding change: c.2981G>A on transcript NM_001382391.1 (MANE Select); coding-DNA position 2981, G replaced by A.
Protein change: p.Arg994Gln; replaces arginine 994 with glutamine.
Molecular consequence: missense variant. On other transcripts: 3 prime UTR variant (2).
Genome position (GRCh38, 1-based): chr8:67,175,308, G>A. VCF-style: chr8-67175308-G-A. GRCh37 (hg19) VCF-style: chr8-68087543-G-A.
Other names: c.*247C>T (NM_001413187.1, NM_001413186.1); c.1931G>A, p.Arg644Gln (NM_001291339.2); c.2900G>A, p.Arg967Gln (NM_001363131.2); c.2786G>A, p.Arg929Gln (NM_001363132.2); c.2705G>A, p.Arg902Gln (NM_001363133.2); c.3047G>A, p.Arg1016Gln (NM_001364869.1); c.2867G>A, p.Arg956Gln (NM_001364870.1); c.2813G>A, p.Arg938Gln (NM_001438330.1); and 2 more; short protein forms R929Q, R989Q, R1016Q, R902Q, R967Q, R644Q, R956Q, R994Q.
Identifiers: ClinVar variation 939297 (VCV000939297.8), dbSNP rs367949127, ClinGen allele CA4771010.

ClinVar aggregate classification (germline): Uncertain significance. Review status: criteria provided, multiple submitters, no conflicts (2 of 4 stars). 2 submissions from 2 submitters: Uncertain significance (2). Last evaluated 2022-03-31.

Conditions:
Joubert syndrome 21 (JBTS21). Identifiers: MedGen C3810212, MONDO:0014288, OMIM 615636.

Allele frequency attached by ClinVar (database versions not stated): gnomAD 0.00008 and 0.00007; ExAC 0.00007; gnomAD exomes 0.00010 and 0.00008; ESP Exome Variant Server 0.00008; TOPMed 0.00008.
gnomAD v4.1: 153 of 1,608,866 alleles (0.0095%); highest among the groups gnomAD compares: Non-Finnish European, 0.012%; no homozygotes.

Submissions (2):

Labcorp Genetics (formerly Invitae), Labcorp
Classification: Uncertain significance for Joubert syndrome 21. Last evaluated: 2022-03-31. Review status: criteria provided, single submitter. Criteria: Invitae Variant Classification Sherloc (09022015). Collection method: clinical testing. Allele origin: germline.
Comment: This sequence change replaces arginine, which is basic and polar, with glutamine, which is neutral and polar, at codon 989 of the CSPP1 protein (p.Arg989Gln). This variant is present in population databases (rs367949127, gnomAD 0.01%). This missense change has been observed in individual(s) with clinical features of Meckel-Gruber syndrome (PMID: 24360803). ClinVar contains an entry for this variant (Variation ID: 939297). Algorithms developed to predict the effect of missense changes on protein structure and function are either unavailable or do not agree on the potential impact of this missense change (SIFT: "Deleterious"; PolyPhen-2: "Probably Damaging"; Align-GVGD: "Class C0"). In summary, the available evidence is currently insufficient to determine the role of this variant in disease. Therefore, it has been classified as a Variant of Uncertain Significance.

GeneDx
Classification: Uncertain significance. Last evaluated: 2021-06-25. Review status: criteria provided, single submitter. Criteria: GeneDx Variant Classification Process June 2021. Collection method: clinical testing. Allele origin: germline. Affected: yes.
Comment: Not observed at significant frequency in large population cohorts (Lek et al., 2016); In silico analysis supports that this missense variant does not alter protein structure/function; This variant is associated with the following publications: (PMID: 27535533, 24360808, 24360803)

Literature cited by the submitters: PubMed 24360803 (cited by Labcorp Genetics (formerly Invitae), Labcorp).